The following is an entry in ClinVar:

NM_012433.4(SF3B1):c.1244T>C (p.Leu415Pro)

Gene: SF3B1 (splicing factor 3b subunit 1; minus strand). Cytogenetic location: 2q33.1.
Variant type: single nucleotide variant.
Coding change: c.1244T>C on transcript NM_012433.4 (MANE Select); coding-DNA position 1244, T replaced by C.
Protein change: p.Leu415Pro; replaces leucine 415 with proline.
Molecular consequence: missense variant.
Genome position (GRCh38, 1-based): chr2:197,405,468, A>G on the plus strand (T>C on the coding strand, the complement: SF3B1 is on the minus strand). VCF-style: chr2-197405468-A-G. GRCh37 (hg19) VCF-style: chr2-198270192-A-G.
Other names: short protein forms L415P.
Identifiers: ClinVar variation 4890704 (VCV004890704.1).

ClinVar aggregate classification (germline): Likely pathogenic (1 of 4 stars; one submission).

Conditions:
SF3B1-associated neurodevelopmental disorder.

Submission:

Institute of Human Genetics, University of Leipzig Medical Center
Classification: Likely pathogenic for SF3B1-associated neurodevelopmental disorder. Last evaluated: 2026-07-29. Review status: criteria provided, single submitter. Criteria: ACMG Guidelines, 2015. Collection method: clinical testing. Allele origin: de novo. Inheritance: Autosomal dominant inheritance. Affected: yes.
Comment: Criteria applied: PS2_MOD,PM2,PP2,PP3

Literature cited by the submitters: PubMed 41577671.